The following is an entry in ClinVar:

ClinVar aggregate classification (germline): Uncertain significance (1 of 4 stars; one submission).

Conditions:
Inborn genetic diseases. Identifiers: MedGen C0950123, MeSH D030342.

Submission:

Ambry Genetics
Classification: Uncertain significance for Inborn genetic diseases. Last evaluated: 2026-07-05. Review status: criteria provided, single submitter. Criteria: Ambry Variant Classification Scheme 2023. Collection method: clinical testing. Allele origin: germline.
Comment: The p.D1301E variant (also known as c.3903T>A), located in coding exon 14 of the FANCM gene, results from a T to A substitution at nucleotide position 3903. The aspartic acid at codon 1301 is replaced by glutamic acid, an amino acid with highly similar properties. This amino acid position is conserved. In addition, this alteration is predicted to be tolerated by in silico analysis. Based on the available evidence, the clinical significance of this variant remains unclear.

NM_020937.4(FANCM):c.3903T>A (p.Asp1301Glu)

Gene: FANCM (FA complementation group M; plus strand). Cytogenetic location: 14q21.2.
Variant type: single nucleotide variant.
Coding change: c.3903T>A on transcript NM_020937.4 (MANE Select); coding-DNA position 3903, T replaced by A.
Protein change: p.Asp1301Glu; replaces aspartic acid 1301 with glutamic acid.
Molecular consequence: missense variant.
Genome position (GRCh38, 1-based): chr14:45,176,657, T>A. VCF-style: chr14-45176657-T-A. GRCh37 (hg19) VCF-style: chr14-45645860-T-A.
Other names: c.3825T>A, p.Asp1275Glu (NM_001308133.2); short protein forms D1275E, D1301E.
Identifiers: ClinVar variation 5036599 (VCV005036599.1).
Genomic context (GRCh38, chr14:45,176,657, plus strand): 5'-ACCAAGAGATCATAGTAAAAATTTTACTAGTGGAACTGTTATTATCCCATCAAATGAAGA[T>A]ATGCAGAATCCAAATTATGTACATTTGCCACTGAGTGCAGCAAAAAATGAAGAATTGTTA-3'
Protein context (NP_065988.1, residues 1291-1311): SGTVIIPSNE[Asp1301Glu]MQNPNYVHLP